The following is an entry in ClinVar:

NM_144631.6(ZNF513):c.1166G>A (p.Arg389His)

Gene: ZNF513 (zinc finger protein 513; minus strand). Cytogenetic location: 2p23.3.
Variant type: single nucleotide variant.
Coding change: c.1166G>A on transcript NM_144631.6 (MANE Select); coding-DNA position 1166, G replaced by A.
Protein change: p.Arg389His; replaces arginine 389 with histidine.
Molecular consequence: missense variant.
Genome position (GRCh38, 1-based): chr2:27,378,005, C>T on the plus strand (G>A on the coding strand, the complement: ZNF513 is on the minus strand). VCF-style: chr2-27378005-C-T. GRCh37 (hg19) VCF-style: chr2-27600872-C-T.
Other names: c.980G>A, p.Arg327His (NM_001201459.2); short protein forms R327H, R389H.
Identifiers: ClinVar variation 849758 (VCV000849758.11), dbSNP rs750096002, ClinGen allele CA1577846.

ClinVar aggregate classification (germline): Uncertain significance. Review status: criteria provided, multiple submitters, no conflicts (2 of 4 stars). 3 submissions from 3 submitters: Uncertain significance (3). Last evaluated 2025-03-28.

Allele frequency attached by ClinVar (database versions not stated): TOPMed 0.00005; ExAC 0.00001; gnomAD exomes 0.00001; gnomAD 0.00005.

Submissions (3):

Ambry Genetics
Classification: Uncertain significance. Last evaluated: 2025-03-28. Review status: criteria provided, single submitter. Criteria: Ambry Variant Classification Scheme 2023. Collection method: clinical testing. Allele origin: germline.

Blueprint Genetics
Classification: Uncertain significance. Last evaluated: 2023-07-13. Review status: criteria provided, single submitter. Criteria: ACMG Guidelines, 2015. Collection method: clinical testing. Allele origin: germline.

Labcorp Genetics (formerly Invitae), Labcorp
Classification: Uncertain significance. Last evaluated: 2023-04-28. Review status: criteria provided, single submitter. Criteria: Invitae Variant Classification Sherloc (09022015). Collection method: clinical testing. Allele origin: germline.
Comment: This sequence change replaces arginine, which is basic and polar, with histidine, which is basic and polar, at codon 389 of the ZNF513 protein (p.Arg389His). This variant is present in population databases (rs750096002, gnomAD 0.008%). This variant has not been reported in the literature in individuals affected with ZNF513-related conditions. ClinVar contains an entry for this variant (Variation ID: 849758). An algorithm developed to predict the effect of missense changes on protein structure and function (PolyPhen-2) suggests that this variant is likely to be tolerated. In summary, the available evidence is currently insufficient to determine the role of this variant in disease. Therefore, it has been classified as a Variant of Uncertain Significance.